The following is an entry in ClinVar:

NM_004990.4(MARS1):c.266C>T (p.Ala89Val)

Gene: MARS1 (methionyl-tRNA synthetase 1; plus strand). Cytogenetic location: 12q13.3.
Variant type: single nucleotide variant.
Coding change: c.266C>T on transcript NM_004990.4 (MANE Select); coding-DNA position 266, C replaced by T.
Protein change: p.Ala89Val; replaces alanine 89 with valine.
Molecular consequence: missense variant.
Genome position (GRCh38, 1-based): chr12:57,489,332, C>T. VCF-style: chr12-57489332-C-T. GRCh37 (hg19) VCF-style: chr12-57883115-C-T.
Other names: p.Ala89Val; c.266C>T (NM_004990.3); short protein forms A89V.
Identifiers: ClinVar variation 1681681 (VCV001681681.8), dbSNP rs781061568, ClinGen allele CA6650111.

ClinVar aggregate classification (germline): Uncertain significance. Review status: criteria provided, multiple submitters, no conflicts (2 of 4 stars). 3 submissions from 3 submitters: Uncertain significance (3). Last evaluated 2025-03-12.

Conditions:
Severe early-onset pulmonary alveolar proteinosis due to MARS deficiency. Also called: PULMONARY ALVEOLAR PROTEINOSIS, REUNION ISLAND; Interstitial lung and liver disease. Identifiers: Orphanet 440427, MedGen C4225400, MONDO:0014206, OMIM 615486.
Charcot-Marie-Tooth disease axonal type 2U. Also called: CHARCOT-MARIE-TOOTH NEUROPATHY, TYPE 2U; CHARCOT-MARIE-TOOTH DISEASE, AXONAL, AUTOSOMAL DOMINANT, TYPE 2U. Identifiers: Orphanet 397735, MedGen C4084821, MONDO:0014566, OMIM 616280.

Allele frequency attached by ClinVar (database versions not stated): ExAC 0.00001; gnomAD exomes 0.00002; gnomAD 0.00004.
gnomAD v4.1: 21 of 1,613,786 alleles (0.0013%); highest among the groups gnomAD compares: African/African-American, 0.0067%; no homozygotes.

Submissions (3):

Mayo Clinic Laboratories, Mayo Clinic
Classification: Uncertain significance. Last evaluated: 2025-03-12. Review status: criteria provided, single submitter. Criteria: ACMG Guidelines, 2015. Collection method: clinical testing. Allele origin: germline. Observed: 1 variant allele.
Comment: BP4_moderate

Labcorp Genetics (formerly Invitae), Labcorp
Classification: Uncertain significance for Charcot-Marie-Tooth disease axonal type 2U; Severe early-onset pulmonary alveolar proteinosis due to MARS deficiency. Last evaluated: 2024-08-11. Review status: criteria provided, single submitter. Criteria: Invitae Variant Classification Sherloc (09022015). Collection method: clinical testing. Allele origin: germline.
Comment: This sequence change replaces alanine, which is neutral and non-polar, with valine, which is neutral and non-polar, at codon 89 of the MARS protein (p.Ala89Val). This variant is present in population databases (rs781061568, gnomAD 0.009%). This variant has not been reported in the literature in individuals affected with MARS-related conditions. ClinVar contains an entry for this variant (Variation ID: 1681681). An algorithm developed to predict the effect of missense changes on protein structure and function outputs the following: PolyPhen-2: "Benign". The valine amino acid residue is found in multiple mammalian species, which suggests that this missense change does not adversely affect protein function. In summary, the available evidence is currently insufficient to determine the role of this variant in disease. Therefore, it has been classified as a Variant of Uncertain Significance.

Ambry Genetics
Classification: Uncertain significance. Last evaluated: 2024-01-16. Review status: criteria provided, single submitter. Criteria: Ambry Variant Classification Scheme 2023. Collection method: clinical testing. Allele origin: germline.